The following is an entry in ClinVar:

NM_020774.4(MIB1):c.2468C>G (p.Ser823Ter)

Gene: MIB1 (MIB E3 ubiquitin protein ligase 1; plus strand). Cytogenetic location: 18q11.2.
Variant type: single nucleotide variant.
Coding change: c.2468C>G on transcript NM_020774.4 (MANE Select); coding-DNA position 2468, C replaced by G.
Protein change: p.Ser823Ter; replaces serine 823 with a stop codon.
Molecular consequence: nonsense.
Genome position (GRCh38, 1-based): chr18:21,849,270, C>G. VCF-style: chr18-21849270-C-G. GRCh37 (hg19) VCF-style: chr18-19429231-C-G.
Other names: short protein forms S823*.
Identifiers: ClinVar variation 4688150 (VCV004688150.1).

ClinVar aggregate classification (germline): Uncertain significance (1 of 4 stars; one submission).

Conditions:
Left ventricular noncompaction 7 (LVNC7). Identifiers: Orphanet 54260, MedGen C3554496, MONDO:0014042, OMIM 615092.

Submission:

MVZ Medizinische Genetik Mainz
Classification: Uncertain significance for Left ventricular noncompaction 7. Last evaluated: 2026-01-08. Review status: criteria provided, single submitter. Criteria: UK Practice Guidelines For Variant Classification V4 01 2020. Collection method: clinical testing. Allele origin: germline. Inheritance: Autosomal dominant inheritance. Affected: yes. Observed: 1 variant allele.
Comment: ACMG Criteria: PVS1_MOD,PM2_SUP